The following is an entry in ClinVar:

ClinVar aggregate classification (germline): Uncertain significance (1 of 4 stars; one submission).

Allele frequency attached by ClinVar (database versions not stated): gnomAD exomes below 0.00001.
gnomAD v4.1: 4 of 1,483,002 alleles (0.00027%); highest among the groups gnomAD compares: Non-Finnish European, 0.00027%; no homozygotes.

Submission:

Labcorp Genetics (formerly Invitae), Labcorp
Classification: Uncertain significance. Last evaluated: 2024-12-09. Review status: criteria provided, single submitter. Criteria: Invitae Variant Classification Sherloc (09022015). Collection method: clinical testing. Allele origin: germline.
Comment: This sequence change replaces arginine, which is basic and polar, with histidine, which is basic and polar, at codon 72 of the P3H2 protein (p.Arg72His). This variant is not present in population databases (gnomAD no frequency). This variant has not been reported in the literature in individuals affected with P3H2-related conditions. ClinVar contains an entry for this variant (Variation ID: 1345930). Invitae Evidence Modeling of protein sequence and biophysical properties (such as structural, functional, and spatial information, amino acid conservation, physicochemical variation, residue mobility, and thermodynamic stability) indicates that this missense variant is not expected to disrupt P3H2 protein function with a negative predictive value of 80%. In summary, the available evidence is currently insufficient to determine the role of this variant in disease. Therefore, it has been classified as a Variant of Uncertain Significance.

NM_018192.4(P3H2):c.215G>A (p.Arg72His)

Gene: P3H2 (prolyl 3-hydroxylase 2; minus strand). Cytogenetic location: 3q28.
Variant type: single nucleotide variant.
Coding change: c.215G>A on transcript NM_018192.4 (MANE Select); coding-DNA position 215, G replaced by A.
Protein change: p.Arg72His; replaces arginine 72 with histidine.
Molecular consequence: missense variant. On other transcripts: intron variant (1).
Genome position (GRCh38, 1-based): chr3:190,120,517, C>T on the plus strand (G>A on the coding strand, the complement: P3H2 is on the minus strand). VCF-style: chr3-190120517-C-T. GRCh37 (hg19) VCF-style: chr3-189838306-C-T.
Other names: c.-64+1686G>A (NM_001134418.2); short protein forms R72H.
Identifiers: ClinVar variation 1345930 (VCV001345930.6), dbSNP rs1712520727, ClinGen allele CA355859937.